The following is an entry in ClinVar:

ClinVar aggregate classification (germline): Benign (1 of 4 stars; one submission).

Allele frequency attached by ClinVar (database versions not stated): gnomAD 0.20252 and 0.21049; TOPMed 0.21102; 1000 Genomes Project 30x 0.23001; 1000 Genomes Project 0.23323.
gnomAD v4.1: 28,054 of 133,524 alleles (21%); highest among the groups gnomAD compares: East Asian, 34%; 3,079 homozygotes.

Submission:

GeneDx
Classification: Benign. Last evaluated: 2018-06-14. Review status: criteria provided, single submitter. Criteria: GeneDx Variant Classification (06012015). Collection method: clinical testing. Allele origin: germline. Affected: yes.
Comment: This variant is considered likely benign or benign based on one or more of the following criteria: it is a conservative change, it occurs at a poorly conserved position in the protein, it is predicted to be benign by multiple in silico algorithms, and/or has population frequency not consistent with disease.

NM_182961.4(SYNE1):c.3028-307A>G

Gene: SYNE1 (spectrin repeat containing nuclear envelope protein 1; minus strand). Cytogenetic location: 6q25.2.
Variant type: single nucleotide variant.
Coding change: c.3028-307A>G on transcript NM_182961.4 (MANE Select); 307 bases into the intron before coding-DNA position 3028, A replaced by G.
Molecular consequence: intron variant.
Genome position (GRCh38, 1-based): chr6:152,451,512, T>C on the plus strand (A>G on the coding strand, the complement: SYNE1 is on the minus strand). VCF-style: chr6-152451512-T-C. GRCh37 (hg19) VCF-style: chr6-152772647-T-C.
Other names: c.3049-307A>G (NM_033071.5).
Identifiers: ClinVar variation 684030 (VCV000684030.1), dbSNP rs214975, ClinGen allele CA12213456.